The following is an entry in ClinVar:

ClinVar aggregate classification (germline): Uncertain significance. Review status: criteria provided, multiple submitters, no conflicts (2 of 4 stars). 2 submissions from 2 submitters: Uncertain significance (2). Last evaluated 2025-08-31.

Conditions:
Inborn genetic diseases. Identifiers: MedGen C0950123, MeSH D030342.

Submissions (2):

Ambry Genetics
Classification: Uncertain significance for Inborn genetic diseases. Last evaluated: 2025-08-31. Review status: criteria provided, single submitter. Criteria: Ambry Variant Classification Scheme 2023. Collection method: clinical testing. Allele origin: germline.

Labcorp Genetics (formerly Invitae), Labcorp
Classification: Uncertain significance. Last evaluated: 2025-01-16. Review status: criteria provided, single submitter. Criteria: Invitae Variant Classification Sherloc (09022015). Collection method: clinical testing. Allele origin: germline.
Comment: This sequence change replaces cysteine, which is neutral and slightly polar, with phenylalanine, which is neutral and non-polar, at codon 228 of the COL11A2 protein (p.Cys228Phe). This variant is not present in population databases (gnomAD no frequency). This variant has not been reported in the literature in individuals affected with COL11A2-related conditions. An algorithm developed to predict the effect of missense changes on protein structure and function (PolyPhen-2) suggests that this variant is likely to be tolerated. In summary, the available evidence is currently insufficient to determine the role of this variant in disease. Therefore, it has been classified as a Variant of Uncertain Significance.

NM_080680.3(COL11A2):c.683G>T (p.Cys228Phe)

Gene: COL11A2 (collagen type XI alpha 2 chain; minus strand). Cytogenetic location: 6p21.32.
Variant type: single nucleotide variant.
Coding change: c.683G>T on transcript NM_080680.3 (MANE Select); coding-DNA position 683, G replaced by T.
Protein change: p.Cys228Phe; replaces cysteine 228 with phenylalanine.
Molecular consequence: missense variant. On other transcripts: 5 prime UTR variant (3), non-coding transcript variant (1).
Genome position (GRCh38, 1-based): chr6:33,186,742, C>A on the plus strand (G>T on the coding strand, the complement: COL11A2 is on the minus strand). VCF-style: chr6-33186742-C-A. GRCh37 (hg19) VCF-style: chr6-33154519-C-A.
Other names: c.683G>T, p.Cys228Phe (NM_001163771.2, NM_001424108.1, NM_080679.3 and 1 more transcripts); c.-164G>T (NM_001424109.1, NM_001424110.1, NM_001424111.1); c.683G>T (NM_080680.2); short protein forms C228F.
Identifiers: ClinVar variation 3723225 (VCV003723225.3).
Genomic context (GRCh38, chr6:33,186,742, plus strand): 5'-GGAGATCTCTGGGCTCTGTGAGGCTGTTGGTTTTGGGGTCTTTCCCTCTGGCCCCCCTCG[C>A]ATTCCAGCTCCTTCTGTTCACATGATTCATAGGCTGCCTGGACCCCTGGGACAATGGCCA-3'
Protein context (NP_542411.2, residues 218-238): YESCEQKELE[Cys228Phe]EGGQRERPQN